The following is an entry in ClinVar:

ClinVar aggregate classification (germline): Uncertain significance (1 of 4 stars; one submission).

gnomAD v4.1: 16 of 1,614,128 alleles (0.00099%); highest among the groups gnomAD compares: East Asian, 0.036%; no homozygotes.

Submission:

GeneDx
Classification: Uncertain significance. Last evaluated: 2017-06-02. Review status: criteria provided, single submitter. Criteria: GeneDx Variant Classification (06012015). Collection method: clinical testing. Allele origin: germline. Affected: yes.
Comment: The D160G variant has not been published as a pathogenic variant, nor has it been reported as a benign variant to our knowledge. The D160G variant is not observed at a significant frequency in large population cohorts (Lek et al., 2016; 1000 Genomes Consortium et al., 2015; Exome Variant Server). This variant is a non-conservative amino acid substitution, which is likely to impact secondary protein structure as these residues differ in polarity, charge, size and/or other properties. However, this substitution occurs at a position that is not conserved, and in silico analysis is inconsistent in its predictions as to whether or not the variant is damaging to the protein structure/function.

NM_000426.4(LAMA2):c.479A>G (p.Asp160Gly)

Gene: LAMA2 (laminin subunit alpha 2; plus strand). Cytogenetic location: 6q22.33.
Variant type: single nucleotide variant.
Coding change: c.479A>G on transcript NM_000426.4 (MANE Select); coding-DNA position 479, A replaced by G.
Protein change: p.Asp160Gly; replaces aspartic acid 160 with glycine.
Molecular consequence: missense variant.
Genome position (GRCh38, 1-based): chr6:129,098,255, A>G. VCF-style: chr6-129098255-A-G. GRCh37 (hg19) VCF-style: chr6-129419400-A-G.
Other names: c.479A>G, p.Asp160Gly (NM_001079823.2); short protein forms D160G.
Identifiers: ClinVar variation 432307 (VCV000432307.2), dbSNP rs147398243, ClinGen allele CA3992347.